The following is an entry in ClinVar:

ClinVar aggregate classification (germline): Uncertain significance (1 of 4 stars; one submission).

Conditions:
Tietz syndrome (TADS). Also called: HYPOPIGMENTATION/DEAFNESS OF TIETZ; ALBINISM-DEAFNESS OF TIETZ; TIETZ ALBINISM-DEAFNESS SYNDROME. Identifiers: Orphanet 42665, MedGen C0391816, MONDO:0007077, OMIM 103500.
Melanoma, cutaneous malignant, susceptibility to, 8. Also called: Cutaneous malignant melanoma 8; MELANOMA AND RENAL CELL CARCINOMA, SUSCEPTIBILITY TO. Identifiers: Orphanet 293822, MedGen C3152204, MONDO:0013759, OMIM 614456.
Waardenburg syndrome type 2A (WS2A). Also called: WAARDENBURG SYNDROME WITHOUT DYSTOPIA CANTHORUM. Identifiers: Orphanet 3440, MedGen C1860339, MONDO:0008671, OMIM 193510.

Submission:

Labcorp Genetics (formerly Invitae), Labcorp
Classification: Uncertain significance for Melanoma, cutaneous malignant, susceptibility to, 8; Waardenburg syndrome type 2A; Tietz syndrome. Last evaluated: 2024-01-04. Review status: criteria provided, single submitter. Criteria: Invitae Variant Classification Sherloc (09022015). Collection method: clinical testing. Allele origin: germline.
Comment: This sequence change creates a premature translational stop signal (p.Leu5Profs*4) in the MITF gene. However, it is currently unclear if variants that occur in this region of the gene cause disease. This variant is not present in population databases (gnomAD no frequency). This variant has not been reported in the literature in individuals affected with MITF-related conditions. Experimental studies and prediction algorithms are not available or were not evaluated, and the functional significance of this variant is currently unknown. In summary, the available evidence is currently insufficient to determine the role of this variant in disease. Therefore, it has been classified as a Variant of Uncertain Significance.

NM_000248.4(MITF):c.13dup (p.Leu5fs)

Gene: MITF (melanocyte inducing transcription factor; plus strand). Cytogenetic location: 3p13.
Variant type: Duplication.
Coding change: c.13dup on transcript NM_000248.4 (MANE Plus Clinical); coding-DNA position 13, one base duplicated (C; older notation c.13dupC).
Protein change: p.Leu5fs; shifts the reading frame from leucine 5.
Molecular consequence: frameshift variant. On other transcripts: intron variant (9).
Genome position (GRCh38, 1-based): chr3:69,936,735, C duplicated. VCF-style (leftmost placement, unchanged base first): chr3-69936734-G-GC. GRCh37 (hg19) VCF-style: chr3-69985885-G-GC.
Other names: c.13dup, p.Leu5fs (NM_001184968.2, NM_198158.3, NM_198178.3); c.304-1087dup (NM_001354607.2); c.199-1087dup (NM_001354608.2, NM_001184967.2); c.355-1087dup (NM_001354604.2, NM_198159.3); c.352-1087dup (NM_001354605.2, NM_001354606.2, NM_006722.3); c.307-1087dup (NM_198177.3); short protein forms L5fs.
Identifiers: ClinVar variation 2921930 (VCV002921930.3), dbSNP rs2471579526, ClinGen allele CA2740094485.